The following is an entry in ClinVar:

ClinVar aggregate classification (germline): Likely benign (1 of 4 stars; one submission).

gnomAD v4.1: 10,308 of 1,613,728 alleles (0.64%); highest among the groups gnomAD compares: Non-Finnish European, 0.81%; 43 homozygotes.

Submission:

CeGaT Center for Human Genetics Tuebingen
Classification: Likely benign. Last evaluated: 2024-08-01. Review status: criteria provided, single submitter. Criteria: CeGaT Center For Human Genetics Tuebingen Variant Classification Criteria Version 2. Collection method: clinical testing. Allele origin: germline. Affected: yes. Observed: 1 variant allele.
Comment: FLG2: BP4, BS2

NM_001014342.3(FLG2):c.4303G>A (p.Gly1435Arg)

Genes: CCDST (cervical cancer associated DHX9 suppressive transcript; plus strand), FLG2 (filaggrin 2; minus strand). Cytogenetic location: 1q21.3.
Variant type: single nucleotide variant.
Coding change: c.4303G>A on transcript NM_001014342.3 (MANE Select); coding-DNA position 4303, G replaced by A.
Protein change: p.Gly1435Arg; replaces glycine 1435 with arginine.
Molecular consequence: missense variant.
Genome position (GRCh38, 1-based): chr1:152,353,483, C>T on the plus strand (G>A on the coding strand, the complement: FLG2 is on the minus strand). VCF-style: chr1-152353483-C-T. GRCh37 (hg19) VCF-style: chr1-152325959-C-T.
Other names: short protein forms G1435R.
Identifiers: ClinVar variation 3341519 (VCV003341519.16).